The following is an entry in ClinVar:

ClinVar aggregate classification (germline): Uncertain significance (1 of 4 stars; one submission).

Conditions:
Meckel-Gruber syndrome. Also called: DYSENCEPHALIA SPLANCHNOCYSTICA; GRUBER SYNDROME; Dysencephalia splachnocystica. Identifiers: Orphanet 564, MedGen C0265215, MONDO:0018921.
Joubert syndrome. Also called: CEREBELLOPARENCHYMAL DISORDER IV; JOUBERT-BOLTSHAUSER SYNDROME; Familial aplasia of the vermis. Identifiers: Orphanet 475, MedGen C5979921, MONDO:0018772.

gnomAD v4.1: 2 of 1,614,200 alleles (0.00012%); highest among the groups gnomAD compares: Non-Finnish European, 0.00017%; no homozygotes.

Submission:

Labcorp Genetics (formerly Invitae), Labcorp
Classification: Uncertain significance for Joubert syndrome; Meckel-Gruber syndrome. Last evaluated: 2022-07-19. Review status: criteria provided, single submitter. Criteria: Invitae Variant Classification Sherloc (09022015). Collection method: clinical testing. Allele origin: germline.
Comment: This sequence change replaces lysine, which is basic and polar, with asparagine, which is neutral and polar, at codon 361 of the TCTN1 protein (p.Lys361Asn). In summary, the available evidence is currently insufficient to determine the role of this variant in disease. Therefore, it has been classified as a Variant of Uncertain Significance. Algorithms developed to predict the effect of missense changes on protein structure and function (SIFT, PolyPhen-2, Align-GVGD) all suggest that this variant is likely to be tolerated. This variant has not been reported in the literature in individuals affected with TCTN1-related conditions. This variant is not present in population databases (gnomAD no frequency).

NM_001082538.3(TCTN1):c.1083G>C (p.Lys361Asn)

Gene: TCTN1 (tectonic family member 1; plus strand). Cytogenetic location: 12q24.11.
Variant type: single nucleotide variant.
Coding change: c.1083G>C on transcript NM_001082538.3 (MANE Select); coding-DNA position 1083, G replaced by C.
Protein change: p.Lys361Asn; replaces lysine 361 with asparagine.
Molecular consequence: missense variant. On other transcripts: non-coding transcript variant (1).
Genome position (GRCh38, 1-based): chr12:110,641,128, G>C. VCF-style: chr12-110641128-G-C. GRCh37 (hg19) VCF-style: chr12-111078933-G-C.
Other names: c.1083G>C, p.Lys361Asn (NM_001082537.3, NM_001319680.2); c.915G>C, p.Lys305Asn (NM_001173975.3); c.903G>C, p.Lys301Asn (NM_001173976.2); c.549G>C, p.Lys183Asn (NM_001319681.2); c.1041G>C, p.Lys347Asn (NM_024549.6); short protein forms K183N, K301N, K305N, K347N, K361N.
Identifiers: ClinVar variation 1719656 (VCV001719656.6), dbSNP rs2548905666, ClinGen allele CA386705054.